The following is an entry in ClinVar:

NM_000256.3(MYBPC3):c.2266C>T (p.Pro756Ser)

Gene: MYBPC3 (myosin binding protein C3; minus strand). Cytogenetic location: 11p11.2.
Variant type: single nucleotide variant.
Coding change: c.2266C>T on transcript NM_000256.3 (MANE Select); coding-DNA position 2266, C replaced by T.
Protein change: p.Pro756Ser; replaces proline 756 with serine.
Molecular consequence: missense variant.
Genome position (GRCh38, 1-based): chr11:47,338,562, G>A on the plus strand (C>T on the coding strand, the complement: MYBPC3 is on the minus strand). VCF-style: chr11-47338562-G-A. GRCh37 (hg19) VCF-style: chr11-47360113-G-A.
Other names: short protein forms P756S.
Identifiers: ClinVar variation 4911546 (VCV004911546.2).

ClinVar aggregate classification (germline): Uncertain significance. Review status: criteria provided, multiple submitters, no conflicts (2 of 4 stars). 2 submissions from 2 submitters: Uncertain significance (2). Last evaluated 2026-07-02.

Conditions:
Cardiovascular phenotype. Identifiers: MedGen CN230736.

gnomAD v4.1: 1 of 1,613,890 alleles (0.000062%); no homozygotes.

Submissions (2):

Ambry Genetics
Classification: Uncertain significance for Cardiovascular phenotype. Last evaluated: 2026-07-02. Review status: criteria provided, single submitter. Criteria: Ambry Variant Classification Scheme 2023. Collection method: clinical testing. Allele origin: germline.
Comment: The p.P756S variant (also known as c.2266C>T), located in coding exon 23 of the MYBPC3 gene, results from a C to T substitution at nucleotide position 2266. The proline at codon 756 is replaced by serine, an amino acid with similar properties. This amino acid position is conserved. In addition, this alteration is predicted to be tolerated by in silico analysis. Based on the available evidence, the clinical significance of this variant remains unclear.

Blueprint Genetics
Classification: Uncertain significance. Last evaluated: 2022-11-18. Review status: criteria provided, single submitter. Criteria: ACMG Guidelines, 2015. Collection method: clinical testing. Allele origin: germline.